The following is an entry in ClinVar:

NM_031844.3(HNRNPU):c.1303A>G (p.Ser435Gly)

Gene: HNRNPU (heterogeneous nuclear ribonucleoprotein U; minus strand). Cytogenetic location: 1q44.
Variant type: single nucleotide variant.
Coding change: c.1303A>G on transcript NM_031844.3 (MANE Select); coding-DNA position 1303, A replaced by G.
Protein change: p.Ser435Gly; replaces serine 435 with glycine.
Molecular consequence: missense variant.
Genome position (GRCh38, 1-based): chr1:244,858,202, T>C on the plus strand (A>G on the coding strand, the complement: HNRNPU is on the minus strand). VCF-style: chr1-244858202-T-C. GRCh37 (hg19) VCF-style: chr1-245021504-T-C.
Other names: c.1246A>G, p.Ser416Gly (NM_004501.3); short protein forms S435G, S416G.
Identifiers: ClinVar variation 2749884 (VCV002749884.3), dbSNP rs2527877655, ClinGen allele CA345491931.
Genomic context (GRCh38, chr1:244,858,202, plus strand): 5'-CTGCACAGTTGTGGCAGAGAACATGCGGGAACAGTGGCCGTCCAGCAAGAACTTCCTTAC[T>C]GATTTTGAAGGCAACGCCAAGATCTTGTCCATTCTTAGCATACGAGAGTTCTACTTCATC-3'
Protein context (NP_114032.2, residues 425-445): GQDLGVAFKI[Ser435Gly]KEVLAGRPLF

ClinVar aggregate classification (germline): Uncertain significance (1 of 4 stars; one submission).

Conditions:
Developmental and epileptic encephalopathy, 54. Also called: Epileptic encephalopathy, early infantile, 54; HNRNPU-Related Neurodevelopmental Disorder. Identifiers: MedGen C4479319, MONDO:0033363, OMIM 617391.

Submission:

Labcorp Genetics (formerly Invitae), Labcorp
Classification: Uncertain significance for Developmental and epileptic encephalopathy, 54. Last evaluated: 2023-08-03. Review status: criteria provided, single submitter. Criteria: Invitae Variant Classification Sherloc (09022015). Collection method: clinical testing. Allele origin: germline.
Comment: Advanced modeling of protein sequence and biophysical properties (such as structural, functional, and spatial information, amino acid conservation, physicochemical variation, residue mobility, and thermodynamic stability) performed at Invitae indicates that this missense variant is not expected to disrupt HNRNPU protein function. In summary, the available evidence is currently insufficient to determine the role of this variant in disease. Therefore, it has been classified as a Variant of Uncertain Significance. Algorithms developed to predict the effect of sequence changes on RNA splicing suggest that this variant may create or strengthen a splice site. This variant has not been reported in the literature in individuals affected with HNRNPU-related conditions. This variant is not present in population databases (gnomAD no frequency). This sequence change replaces serine, which is neutral and polar, with glycine, which is neutral and non-polar, at codon 435 of the HNRNPU protein (p.Ser435Gly).